The following is an entry in ClinVar:

ClinVar aggregate classification (germline): Likely pathogenic (1 of 4 stars; one submission).

Conditions:
Familial adenomatous polyposis 1 (FAP1). Also called: FAMILIAL ADENOMATOUS POLYPOSIS 1, ATTENUATED; POLYPOSIS, ADENOMATOUS INTESTINAL. Identifiers: MedGen C2713442, MONDO:0021056, OMIM 175100. Disease mechanism: loss of function.

Submission:

Programa de cancer hereditario, Instituto de medicina traslacional e ingenieria biomedica, Hospital Italiano de Buenos Aires
Classification: Likely pathogenic for Familial adenomatous polyposis 1. Review status: criteria provided, single submitter. Criteria: Yin et al. (Am J Hum Genet. 2024). Collection method: research. Allele origin: germline. Affected: yes. Observed: 1 variant allele, 1 heterozygote.
Comment: Evaluation following ClinGen Hereditary Cancer VCEP guidelines identifies this variant as Likely Pathogenic. Criteria met: PVS1: Null variant (nonsense, frameshift, canonical ±1 or 2 splice sites, initiation codon, single or multi-exon deletion) in a gene where LOF is a known mechanism of disease. PM2 (Supporting): Absent from controls (or at extremely low frequency) in ExAC, gnomAD, or 1000 Genomes.

NM_000038.6(APC):c.2952dup (p.Ser985fs)

Gene: APC (APC regulator of Wnt signaling pathway; plus strand). Cytogenetic location: 5q22.2.
Variant type: Duplication.
Coding change: c.2952dup on transcript NM_000038.6 (MANE Select); coding-DNA position 2952, one base duplicated (A; older notation c.2952dupA).
Protein change: p.Ser985fs; shifts the reading frame from serine 985.
Molecular consequence: frameshift variant. On other transcripts: non-coding transcript variant (2).
Genome position (GRCh38, 1-based): chr5:112,838,546, A duplicated; the last of 2 consecutive A bases (chr5:112,838,545-112,838,546); duplicating either gives the same sequence. VCF-style (leftmost placement, unchanged base first): chr5-112838544-G-GA. GRCh37 (hg19) VCF-style: chr5-112174241-G-GA.
Other names: c.2565dup, p.Ser856fs (NM_001407467.1, NM_001407469.1); c.2103dup, p.Ser702fs (NM_001407470.1, NM_001354906.2); c.1800dup, p.Ser601fs (NM_001407471.1, NM_001407472.1); c.2952dup, p.Ser985fs (NM_001127510.3, NM_001354895.2, NM_001407450.1); c.2898dup, p.Ser967fs (NM_001127511.3); c.3006dup, p.Ser1003fs (NM_001354896.2, NM_001407447.1, NM_001407448.1 and 1 more transcripts); c.2982dup, p.Ser995fs (NM_001354897.2); c.2877dup, p.Ser960fs (NM_001354898.2); and 11 more; short protein forms S1003fs, S1013fs, S601fs, S702fs, S825fs, S856fs, S859fs, S884fs.
Identifiers: ClinVar variation 4533184 (VCV004533184.1).